The following is an entry in ClinVar:

NM_000548.5(TSC2):c.2272T>A (p.Ser758Thr)

Gene: TSC2 (TSC complex subunit 2; plus strand). Cytogenetic location: 16p13.3.
Variant type: single nucleotide variant.
Coding change: c.2272T>A on transcript NM_000548.5 (MANE Select); coding-DNA position 2272, T replaced by A.
Protein change: p.Ser758Thr; replaces serine 758 with threonine.
Molecular consequence: missense variant. On other transcripts: non-coding transcript variant (5).
Genome position (GRCh38, 1-based): chr16:2,072,900, T>A. VCF-style: chr16-2072900-T-A. GRCh37 (hg19) VCF-style: chr16-2122901-T-A.
Other names: c.2125T>A, p.Ser709Thr (NM_001318829.2, NM_001406675.1, NM_001406676.1 and 1 more transcripts); c.1672T>A, p.Ser558Thr (NM_001318831.2, NM_001406680.1, NM_001406682.1 and 6 more transcripts); c.2305T>A, p.Ser769Thr (NM_001318832.2); c.2272T>A, p.Ser758Thr (NM_001363528.2, NM_001370404.1, NM_001370405.1 and 6 more transcripts); c.2362T>A, p.Ser788Thr (NM_001406667.1, NM_001406668.1); c.2161T>A, p.Ser721Thr (NM_001406670.1, NM_001406678.1, NM_001318827.2); c.2260T>A, p.Ser754Thr (NM_001406671.1, NM_001406673.1); c.2215T>A, p.Ser739Thr (NM_001406677.1); and 3 more; short protein forms S224T, S310T, S558T, S604T, S709T, S721T, S739T, S754T.
Identifiers: ClinVar variation 3232112 (VCV003232112.1), dbSNP rs2151327279, ClinGen allele CA394276553.

ClinVar aggregate classification (germline): Uncertain significance (1 of 4 stars; one submission).

Conditions:
Hereditary cancer-predisposing syndrome. Also called: Neoplastic Syndromes, Hereditary; Tumor predisposition; Hereditary neoplastic syndrome; Hereditary Cancer Syndrome. Identifiers: Orphanet 140162, MedGen C0027672, MeSH D009386, MONDO:0015356.

Submission:

Ambry Genetics
Classification: Uncertain significance for Hereditary cancer-predisposing syndrome. Last evaluated: 2023-12-24. Review status: criteria provided, single submitter. Criteria: Ambry Variant Classification Scheme 2023. Collection method: clinical testing. Allele origin: germline.
Comment: The p.S758T variant (also known as c.2272T>A), located in coding exon 20 of the TSC2 gene, results from a T to A substitution at nucleotide position 2272. The serine at codon 758 is replaced by threonine, an amino acid with similar properties. This amino acid position is conserved. In addition, the in silico prediction for this alteration is inconclusive. Since supporting evidence is limited at this time, the clinical significance of this alteration remains unclear.